The following is an entry in ClinVar:

NM_024334.3(TMEM43):c.582A>G (p.Ser194=)

Gene: TMEM43 (transmembrane protein 43; plus strand). Cytogenetic location: 3p25.1.
Variant type: single nucleotide variant.
Coding change: c.582A>G on transcript NM_024334.3 (MANE Select); coding-DNA position 582, A replaced by G.
Protein change: p.Ser194=; no amino-acid change (serine 194 retained).
Molecular consequence: synonymous variant.
Genome position (GRCh38, 1-based): chr3:14,133,808, A>G. VCF-style: chr3-14133808-A-G. GRCh37 (hg19) VCF-style: chr3-14175308-A-G.
Other names: c.585A>G, p.Ser195= (NM_001407274.1); c.582A>G, p.Ser194= (NM_001407275.1, NM_001407276.1, NM_001407277.1 and 1 more transcripts); c.567A>G, p.Ser189= (NM_001407278.1); c.432A>G, p.Ser144= (NM_001407280.1).
Identifiers: ClinVar variation 3070829 (VCV003070829.1), dbSNP rs2470186136, ClinGen allele CA432551625.

ClinVar aggregate classification (germline): Uncertain significance (1 of 4 stars; one submission).

Conditions:
Arrhythmogenic right ventricular dysplasia 5. Also called: Arrhythmogenic Right Ventricular Dysplasia/Cardiomyopathy 5; ARRHYTHMOGENIC RIGHT VENTRICULAR DYSPLASIA, FAMILIAL, 5. Identifiers: MedGen C1858379, MONDO:0011459, OMIM 604400.

Submission:

All of Us Research Program, National Institutes of Health
Classification: Uncertain significance for Arrhythmogenic right ventricular dysplasia 5. Last evaluated: 2023-05-04. Review status: criteria provided, single submitter. Criteria: ACMG Guidelines, 2015. Collection method: clinical testing. Allele origin: germline. Inheritance: Autosomal dominant inheritance. Observed: 1 variant allele, 1 heterozygote.
Comment: This variant is located in the TMEM43 protein. To our knowledge, functional studies have not been reported for this variant. This variant has not been reported in individuals affected with TMEM43-related disorders in the literature. This variant has not been identified in the general population by the Genome Aggregation Database (gnomAD). The available evidence is insufficient to determine the role of this variant in disease conclusively. Therefore, this variant is classified as a Variant of Uncertain Significance.

This study involves interpretation of variants in research participants for the purpose of population health screening. Participant phenotype was not available at the time of variant classification. Additional details can be found in publication PMID: 35346344, PMCID: PMC8962531